The following is an entry in ClinVar:

NM_032656.4(DHX37):c.1739A>G (p.Glu580Gly)

Gene: DHX37 (DEAH-box helicase 37; minus strand). Cytogenetic location: 12q24.31.
Variant type: single nucleotide variant.
Coding change: c.1739A>G on transcript NM_032656.4 (MANE Select); coding-DNA position 1739, A replaced by G.
Protein change: p.Glu580Gly; replaces glutamic acid 580 with glycine.
Molecular consequence: missense variant.
Genome position (GRCh38, 1-based): chr12:124,965,003, T>C on the plus strand (A>G on the coding strand, the complement: DHX37 is on the minus strand). VCF-style: chr12-124965003-T-C. GRCh37 (hg19) VCF-style: chr12-125449549-T-C.
Other names: short protein forms E580G.
Identifiers: ClinVar variation 3360752 (VCV003360752.1).

ClinVar aggregate classification (germline): Uncertain significance (1 of 4 stars; one submission).

gnomAD v4.1: 9 of 1,593,664 alleles (0.00056%); highest among the groups gnomAD compares: Non-Finnish European, 0.00077%; no homozygotes.

Submission:

GeneDx
Classification: Uncertain significance. Last evaluated: 2023-07-03. Review status: criteria provided, single submitter. Criteria: GeneDx Variant Classification Process June 2021. Collection method: clinical testing. Allele origin: germline. Affected: yes.
Comment: Not observed at significant frequency in large population cohorts (gnomAD); In silico analysis supports that this missense variant has a deleterious effect on protein structure/function; Has not been previously published as pathogenic or benign to our knowledge